The following is an entry in ClinVar:

NM_014251.3(SLC25A13):c.1008T>C (p.Ser336=)

Gene: SLC25A13 (solute carrier family 25 member 13; minus strand). Cytogenetic location: 7q21.3.
Variant type: single nucleotide variant.
Coding change: c.1008T>C on transcript NM_014251.3 (MANE Select); coding-DNA position 1008, T replaced by C.
Protein change: p.Ser336=; no amino-acid change (serine 336 retained).
Molecular consequence: synonymous variant. On other transcripts: non-coding transcript variant (1).
Genome position (GRCh38, 1-based): chr7:96,184,937, A>G on the plus strand (T>C on the coding strand, the complement: SLC25A13 is on the minus strand). VCF-style: chr7-96184937-A-G. GRCh37 (hg19) VCF-style: chr7-95814249-A-G.
Other names: c.1011T>C, p.Ser337= (NM_001160210.2); c.1008T>C (NM_014251.2).
Identifiers: ClinVar variation 1082671 (VCV001082671.10), dbSNP rs780663014, ClinGen allele CA4353067.

ClinVar aggregate classification (germline): Likely benign. Review status: criteria provided, multiple submitters, no conflicts (2 of 4 stars). 2 submissions from 2 submitters: Likely benign (2). Last evaluated 2026-06-07.

Conditions:
SLC25A13-related disorder. Also called: SLC25A13-related condition.
Citrin deficiency. Identifiers: Orphanet 247582, MedGen C1997910, MONDO:0016602.

Allele frequency attached by ClinVar (database versions not stated): gnomAD exomes below 0.00001; ExAC 0.00001.
gnomAD v4.1: 2 of 1,614,214 alleles (0.00012%); highest among the groups gnomAD compares: Non-Finnish European, 0.00017%; no homozygotes.

Submissions (2):

PreventionGenetics, part of Exact Sciences
Classification: Likely benign for SLC25A13-related condition. Last evaluated: 2026-06-07. Review status: criteria provided, single submitter. Criteria: ACMG Guidelines, 2015. Collection method: clinical testing. Allele origin: germline.
Comment: This variant is classified as likely benign based on ACMG/AMP sequence variant interpretation guidelines (Richards et al. 2015 PMID: 25741868, with internal and published modifications).

Labcorp Genetics (formerly Invitae), Labcorp
Classification: Likely benign for Citrin deficiency. Last evaluated: 2023-04-13. Review status: criteria provided, single submitter. Criteria: Invitae Variant Classification Sherloc (09022015). Collection method: clinical testing. Allele origin: germline.